The following is an entry in ClinVar:

NM_000179.3(MSH6):c.776G>T (p.Gly259Val)

Gene: MSH6 (mutS homolog 6; plus strand). Cytogenetic location: 2p16.3.
Variant type: single nucleotide variant.
Coding change: c.776G>T on transcript NM_000179.3 (MANE Select); coding-DNA position 776, G replaced by T.
Protein change: p.Gly259Val; replaces glycine 259 with valine.
Molecular consequence: missense variant. On other transcripts: 5 prime UTR variant (2).
Genome position (GRCh38, 1-based): chr2:47,798,759, G>T. VCF-style: chr2-47798759-G-T. GRCh37 (hg19) VCF-style: chr2-48025898-G-T.
Other names: c.386G>T, p.Gly129Val (NM_001281492.2); c.-131G>T (NM_001281493.2, NM_001281494.2); short protein forms G129V, G259V.
Identifiers: ClinVar variation 1392182 (VCV001392182.8), dbSNP rs1404814811, ClinGen allele CA346740233.

ClinVar aggregate classification (germline): Uncertain significance (1 of 4 stars; one submission).

Conditions:
Hereditary nonpolyposis colorectal neoplasms. Identifiers: MedGen C0009405, MeSH D003123.

Submission:

Labcorp Genetics (formerly Invitae), Labcorp
Classification: Uncertain significance for Hereditary nonpolyposis colorectal neoplasms. Last evaluated: 2021-04-30. Review status: criteria provided, single submitter. Criteria: Invitae Variant Classification Sherloc (09022015). Collection method: clinical testing. Allele origin: germline.
Comment: This variant has not been reported in the literature in individuals with MSH6-related conditions. Advanced modeling of protein sequence and biophysical properties (such as structural, functional, and spatial information, amino acid conservation, physicochemical variation, residue mobility, and thermodynamic stability) performed at Invitae indicates that this missense variant is not expected to disrupt MSH6 protein function. In summary, the available evidence is currently insufficient to determine the role of this variant in disease. Therefore, it has been classified as a Variant of Uncertain Significance. This variant is not present in population databases (ExAC no frequency). This sequence change replaces glycine with valine at codon 259 of the MSH6 protein (p.Gly259Val). The glycine residue is weakly conserved and there is a moderate physicochemical difference between glycine and valine.